The following is an entry in ClinVar:

NM_004364.5(CEBPA):c.451G>T (p.Gly151Trp)

Gene: CEBPA (CCAAT enhancer binding protein alpha; minus strand). Cytogenetic location: 19q13.11.
Variant type: single nucleotide variant.
Coding change: c.451G>T on transcript NM_004364.5 (MANE Select); coding-DNA position 451, G replaced by T.
Protein change: p.Gly151Trp; replaces glycine 151 with tryptophan.
Molecular consequence: missense variant.
Genome position (GRCh38, 1-based): chr19:33,301,964, C>A on the plus strand (G>T on the coding strand, the complement: CEBPA is on the minus strand). VCF-style: chr19-33301964-C-A. GRCh37 (hg19) VCF-style: chr19-33792870-C-A.
Other names: c.451G>T (NM_004364.3); c.94G>T, p.Gly32Trp (NM_001285829.2); c.556G>T, p.Gly186Trp (NM_001287424.2); c.409G>T, p.Gly137Trp (NM_001287435.2); short protein forms G137W, G151W, G186W, G32W.
Identifiers: ClinVar variation 1017809 (VCV001017809.12), dbSNP rs986682061, ClinGen allele CA307844309.
Genomic context (GRCh38, chr19:33,301,964, plus strand): 5'-TGGCTTCATCCTCCTCGCGGGGCTCCTGCTTGATCACCAGCGGCCGCAGCGCCGGCGCCC[C>A]GACGCGCTCGTACAGGGGCTCCAGCCTGCCGTCCAGGTAGCCGGCGGCCGCGCAGCCGTA-3'
Protein context (NP_004355.2, residues 141-161): GRLEPLYERV[Gly151Trp]APALRPLVIK

ClinVar aggregate classification (germline): Uncertain significance. Review status: criteria provided, multiple submitters, no conflicts (2 of 4 stars). 2 submissions from 2 submitters: Uncertain significance (2). Last evaluated 2025-05-02.

Conditions:
Acute myeloid leukemia (AML). Also called: Acute myeloid leukemia, adult; AML adult; Acute non-lymphocytic leukemia; Acute granulocytic leukemia; Leukemia, acute myelogenous, somatic; Leukemia, acute myeloid, somatic. Identifiers: Orphanet 519, MedGen C0023467, MeSH D015470, MONDO:0018874, OMIM 601626, HP:0004808. Disease mechanism: Constitutively activated FLT3.
Inborn genetic diseases. Identifiers: MedGen C0950123, MeSH D030342.

Allele frequency attached by ClinVar (database versions not stated): TOPMed 0.00001.
gnomAD v4.1: 2 of 1,246,252 alleles (0.00016%); highest among the groups gnomAD compares: East Asian, 0.0035%; no homozygotes.

Submissions (2):

Ambry Genetics
Classification: Uncertain significance for Inborn genetic diseases. Last evaluated: 2025-05-02. Review status: criteria provided, single submitter. Criteria: Ambry Variant Classification Scheme 2023. Collection method: clinical testing. Allele origin: germline.
Comment: The p.G151W variant (also known as c.451G>T), located in coding exon 1 of the CEBPA gene, results from a G to T substitution at nucleotide position 451. The glycine at codon 151 is replaced by tryptophan, an amino acid with highly dissimilar properties. This amino acid position is conserved. In addition, this alteration is predicted to be tolerated by in silico analysis. Based on the available evidence, the clinical significance of this variant remains unclear.

Labcorp Genetics (formerly Invitae), Labcorp
Classification: Uncertain significance for Acute myeloid leukemia. Last evaluated: 2023-08-28. Review status: criteria provided, single submitter. Criteria: Invitae Variant Classification Sherloc (09022015). Collection method: clinical testing. Allele origin: germline.
Comment: This sequence change replaces glycine, which is neutral and non-polar, with tryptophan, which is neutral and slightly polar, at codon 151 of the CEBPA protein (p.Gly151Trp). The frequency data for this variant in the population databases is considered unreliable, as metrics indicate insufficient coverage at this position in the gnomAD database. In summary, the available evidence is currently insufficient to determine the role of this variant in disease. Therefore, it has been classified as a Variant of Uncertain Significance. An algorithm developed to predict the effect of missense changes on protein structure and function (PolyPhen-2) suggests that this variant is likely to be disruptive. ClinVar contains an entry for this variant (Variation ID: 1017809). This variant has not been reported in the literature in individuals affected with CEBPA-related conditions.